The following is an entry in ClinVar:

ClinVar aggregate classification (germline): Uncertain significance (1 of 4 stars; one submission).

Conditions:
Hereditary cancer-predisposing syndrome. Also called: Neoplastic Syndromes, Hereditary; Tumor predisposition; Hereditary neoplastic syndrome; Hereditary Cancer Syndrome. Identifiers: Orphanet 140162, MedGen C0027672, MeSH D009386, MONDO:0015356.

Submission:

Labcorp Genetics (formerly Invitae), Labcorp
Classification: Uncertain significance for Hereditary cancer-predisposing syndrome. Last evaluated: 2023-06-19. Review status: criteria provided, single submitter. Criteria: Invitae Variant Classification Sherloc (09022015). Collection method: clinical testing. Allele origin: germline.
Comment: This sequence change replaces asparagine, which is neutral and polar, with isoleucine, which is neutral and non-polar, at codon 340 of the RAD50 protein (p.Asn340Ile). This variant is not present in population databases (gnomAD no frequency). This variant has not been reported in the literature in individuals affected with RAD50-related conditions. Advanced modeling of protein sequence and biophysical properties (such as structural, functional, and spatial information, amino acid conservation, physicochemical variation, residue mobility, and thermodynamic stability) performed at Invitae indicates that this missense variant is expected to disrupt RAD50 protein function. In summary, the available evidence is currently insufficient to determine the role of this variant in disease. Therefore, it has been classified as a Variant of Uncertain Significance.

NM_005732.4(RAD50):c.1019A>T (p.Asn340Ile)

Gene: RAD50 (RAD50 double strand break repair protein; plus strand). Cytogenetic location: 5q31.1.
Variant type: single nucleotide variant.
Coding change: c.1019A>T on transcript NM_005732.4 (MANE Select); coding-DNA position 1019, A replaced by T.
Protein change: p.Asn340Ile; replaces asparagine 340 with isoleucine.
Molecular consequence: missense variant.
Genome position (GRCh38, 1-based): chr5:132,588,057, A>T. VCF-style: chr5-132588057-A-T. GRCh37 (hg19) VCF-style: chr5-131923749-A-T.
Other names: short protein forms N340I.
Identifiers: ClinVar variation 2719212 (VCV002719212.3), dbSNP rs776934742, ClinGen allele CA360941489.